The following is an entry in ClinVar:

ClinVar aggregate classification (germline): Uncertain significance. Review status: criteria provided, multiple submitters, no conflicts (2 of 4 stars). 2 submissions from 2 submitters: Uncertain significance (2). Last evaluated 2022-03-02.

Conditions:
Saldino-Mainzer syndrome (SRTD9). Also called: CONORENAL SYNDROME; Renal dysplasia, retinal pigmentary dystrophy, cerebellar ataxia and skeletal dysplasia; short-rib thoracic dysplasia 9 with or without polydactyly; SHORT-RIB THORACIC DYSPLASIA 9 WITHOUT POLYDACTYLY. Identifiers: Orphanet 140969, MedGen C1849437, MONDO:0009964, OMIM 266920.
Retinitis pigmentosa 80 (RP80). Identifiers: MedGen C4540439, MONDO:0054708, OMIM 617781.

Allele frequency attached by ClinVar (database versions not stated): TOPMed below 0.00001.

Submissions (2):

Fulgent Genetics
Classification: Uncertain significance for Saldino-Mainzer syndrome; Retinitis pigmentosa 80. Last evaluated: 2022-03-02. Review status: criteria provided, single submitter. Criteria: ACMG Guidelines, 2015. Collection method: clinical testing. Allele origin: unknown.

Labcorp Genetics (formerly Invitae), Labcorp
Classification: Uncertain significance for Saldino-Mainzer syndrome. Last evaluated: 2021-08-20. Review status: criteria provided, single submitter. Criteria: Invitae Variant Classification Sherloc (09022015). Collection method: clinical testing. Allele origin: germline.
Comment: This sequence change replaces isoleucine with methionine at codon 785 of the IFT140 protein (p.Ile785Met). The isoleucine residue is moderately conserved and there is a small physicochemical difference between isoleucine and methionine. This variant is not present in population databases (ExAC no frequency). This variant has not been reported in the literature in individuals affected with IFT140-related conditions. Algorithms developed to predict the effect of missense changes on protein structure and function (SIFT, PolyPhen-2, Align-GVGD) all suggest that this variant is likely to be tolerated. In summary, the available evidence is currently insufficient to determine the role of this variant in disease. Therefore, it has been classified as a Variant of Uncertain Significance.

NM_014714.4(IFT140):c.2355A>G (p.Ile785Met)

Gene: IFT140 (intraflagellar transport 140; minus strand). Cytogenetic location: 16p13.3.
Variant type: single nucleotide variant.
Coding change: c.2355A>G on transcript NM_014714.4 (MANE Select); coding-DNA position 2355, A replaced by G.
Protein change: p.Ile785Met; replaces isoleucine 785 with methionine.
Molecular consequence: missense variant.
Genome position (GRCh38, 1-based): chr16:1,557,979, T>C on the plus strand (A>G on the coding strand, the complement: IFT140 is on the minus strand). VCF-style: chr16-1557979-T-C. GRCh37 (hg19) VCF-style: chr16-1607980-T-C.
Other names: short protein forms I785M.
Identifiers: ClinVar variation 1020558 (VCV001020558.7), dbSNP rs2033196611, ClinGen allele CA394199953.